The following is an entry in ClinVar:

NM_001148.6(ANK2):c.11493G>T (p.Glu3831Asp)

Gene: ANK2 (ankyrin 2; plus strand). Cytogenetic location: 4q26.
Variant type: single nucleotide variant.
Coding change: c.11493G>T on transcript NM_001148.6 (MANE Select); coding-DNA position 11493, G replaced by T.
Protein change: p.Glu3831Asp; replaces glutamic acid 3831 with aspartic acid.
Molecular consequence: missense variant.
Genome position (GRCh38, 1-based): chr4:113,369,688, G>T. VCF-style: chr4-113369688-G-T. GRCh37 (hg19) VCF-style: chr4-114290844-G-T.
Other names: p.E3831D:GAG>GAT; c.5211G>T, p.Glu1737Asp (NM_001127493.3); c.5250G>T, p.Glu1750Asp (NM_001354225.2); c.5139G>T, p.Glu1713Asp (NM_001354228.2, NM_001354258.2); c.5217G>T, p.Glu1739Asp (NM_001354230.2); c.5280G>T, p.Glu1760Asp (NM_001354231.2, NM_001354242.2); c.5274G>T, p.Glu1758Asp (NM_001354232.2); c.5235G>T, p.Glu1745Asp (NM_001354235.2, NM_001354246.2, NM_001354265.2); and 36 more; short protein forms E1737D, E3831D, E1671D, E1692D, E1729D, E1736D, E1750D, E1761D.
Identifiers: ClinVar variation 190533 (VCV000190533.23), dbSNP rs144046572, ClinGen allele CA300734.

ClinVar aggregate classification (germline): Likely benign. Review status: criteria provided, multiple submitters, no conflicts (2 of 4 stars). 6 submissions from 6 submitters: Likely benign (5). 1 of the submissions does not count toward it. Last evaluated 2026-01-25.

Conditions:
ANK2-related disorder. Also called: ANK2-related condition.
Cardiovascular phenotype. Identifiers: MedGen CN230736.
Long QT syndrome (LQTS). Identifiers: MedGen C0023976, MeSH D008133, MONDO:0002442. Disease mechanism: loss of function. Inheritance: Various modes of inheritance.
Cardiac arrhythmia, ankyrin-B-related. Also called: ANKYRIN-B SYNDROME. Identifiers: Orphanet 101016, Orphanet 768, MedGen C1970119, MONDO:0010958, OMIM 600919.

Allele frequency attached by ClinVar (database versions not stated): gnomAD exomes 0.00007 and 0.00015; ExAC 0.00022; gnomAD 0.00066 and 0.00070; ESP Exome Variant Server 0.00069; TOPMed 0.00076; 1000 Genomes Project 0.00120; 1000 Genomes Project 30x 0.00125.
gnomAD v4.1: 212 of 1,614,116 alleles (0.013%); highest among the groups gnomAD compares: African/African-American, 0.27%; 1 homozygote.

Submissions (6):

Labcorp Genetics (formerly Invitae), Labcorp
Classification: Likely benign for Long QT syndrome. Last evaluated: 2026-01-25. Review status: criteria provided, single submitter. Criteria: Invitae Variant Classification Sherloc (09022015). Collection method: clinical testing. Allele origin: germline.

Women's Health and Genetics/Laboratory Corporation of America, LabCorp
Classification: Likely benign. Last evaluated: 2025-04-03. Review status: criteria provided, single submitter. Criteria: LabCorp Variant Classification Summary - May 2015. Collection method: clinical testing. Allele origin: germline.

Fulgent Genetics
Classification: Likely benign for Cardiac arrhythmia, ankyrin-B-related. Last evaluated: 2021-09-27. Review status: criteria provided, single submitter. Criteria: ACMG Guidelines, 2015. Collection method: clinical testing. Allele origin: unknown.

GeneDx
Classification: Likely benign. Last evaluated: 2021-04-02. Review status: criteria provided, single submitter. Criteria: GeneDx Variant Classification Process June 2021. Collection method: clinical testing. Allele origin: germline. Affected: yes.
Comment: This variant is associated with the following publications: (PMID: 25351510)

Ambry Genetics
Classification: Likely benign for Cardiovascular phenotype. Last evaluated: 2018-11-14. Review status: criteria provided, single submitter. Criteria: Ambry Variant Classification Scheme 2023. Collection method: clinical testing. Allele origin: germline.

PreventionGenetics, part of Exact Sciences
Classification: Likely benign for ANK2-related condition. Last evaluated: 2020-06-10. Review status: no assertion criteria provided. Collection method: clinical testing. Allele origin: germline. Not counted in ClinVar's aggregate classification.
Comment: This variant is classified as likely benign based on ACMG/AMP sequence variant interpretation guidelines (Richards et al. 2015 PMID: 25741868, with internal and published modifications).